The following is an entry in ClinVar:

ClinVar aggregate classification (germline): Uncertain significance (1 of 4 stars; one submission).

Allele frequency attached by ClinVar (database versions not stated): gnomAD exomes below 0.00001; TOPMed below 0.00001.

Submission:

Labcorp Genetics (formerly Invitae), Labcorp
Classification: Uncertain significance. Last evaluated: 2023-08-22. Review status: criteria provided, single submitter. Criteria: Invitae Variant Classification Sherloc (09022015). Collection method: clinical testing. Allele origin: germline.
Comment: In summary, the available evidence is currently insufficient to determine the role of this variant in disease. Therefore, it has been classified as a Variant of Uncertain Significance. An algorithm developed to predict the effect of missense changes on protein structure and function (PolyPhen-2) suggests that this variant is likely to be tolerated. This variant has not been reported in the literature in individuals affected with NAF1-related conditions. This variant is present in population databases (no rsID available, gnomAD 0.001%). This sequence change replaces leucine, which is neutral and non-polar, with valine, which is neutral and non-polar, at codon 468 of the NAF1 protein (p.Leu468Val).

NM_138386.3(NAF1):c.1402C>G (p.Leu468Val)

Gene: NAF1 (nuclear assembly factor 1 ribonucleoprotein; minus strand). Cytogenetic location: 4q32.2.
Variant type: single nucleotide variant.
Coding change: c.1402C>G on transcript NM_138386.3 (MANE Select); coding-DNA position 1402, C replaced by G.
Protein change: p.Leu468Val; replaces leucine 468 with valine.
Molecular consequence: missense variant. On other transcripts: intron variant (1).
Genome position (GRCh38, 1-based): chr4:163,128,980, G>C on the plus strand (C>G on the coding strand, the complement: NAF1 is on the minus strand). VCF-style: chr4-163128980-G-C. GRCh37 (hg19) VCF-style: chr4-164050132-G-C.
Other names: c.1034-1865C>G (NM_001128931.2); short protein forms L468V.
Identifiers: ClinVar variation 2782815 (VCV002782815.3), dbSNP rs1440467933, ClinGen allele CA358662684.
Genomic context (GRCh38, chr4:163,128,980, plus strand): 5'-AATTACTATCTCCAGAAGAGGGTGGAGGAGGCAGTGGTGGAGGGGGAGGGGGTGGGGGTA[G>C]GGAGTATGGTAAGTTAAGTAATGGATGAGCAGCCATGTTTGGTGTAGCCCAACCCATGTT-3'
Protein context (NP_612395.2, residues 458-478): AHPLLNLPYS[Leu468Val]PPPPPPPPLP